The following is an entry in ClinVar:

ClinVar aggregate classification (germline): Uncertain significance. Review status: criteria provided, multiple submitters, no conflicts (2 of 4 stars). 2 submissions from 2 submitters: Uncertain significance (2). Last evaluated 2025-06-09.

Conditions:
GALNS-related disorder. Also called: GALNS-related condition.
Mucopolysaccharidosis, MPS-IV-A (MPS4A). Also called: MORQUIO SYNDROME A; Mucopolysaccharidosis type IV A; Morquio syndrome A, mild; GALACTOSAMINE-6-SULFATASE DEFICIENCY; GALNS DEFICIENCY; Mucopolysaccharidosis Type IVA. Identifiers: Orphanet 309297, Orphanet 582, MedGen C0086651, MONDO:0009659, OMIM 253000.

Allele frequency attached by ClinVar (database versions not stated): ExAC 0.00002; TOPMed 0.00003; gnomAD 0.00004 and 0.00006; ESP Exome Variant Server 0.00008.
gnomAD v4.1: 108 of 1,612,486 alleles (0.0067%); highest among the groups gnomAD compares: African/African-American, 0.031%; no homozygotes.

Submissions (2):

PreventionGenetics, part of Exact Sciences
Classification: Uncertain significance for GALNS-related condition. Last evaluated: 2025-06-09. Review status: criteria provided, single submitter. Criteria: ACMG Guidelines, 2015. Collection method: clinical testing. Allele origin: germline.
Comment: The GALNS c.832G>A variant is predicted to result in the amino acid substitution p.Ala278Thr. To our knowledge, this variant has not been reported in the literature. This variant is reported in 0.0082% of alleles in individuals of African descent in gnomAD. At this time, the clinical significance of this variant is uncertain due to the absence of conclusive functional and genetic evidence.

Labcorp Genetics (formerly Invitae), Labcorp
Classification: Uncertain significance for Mucopolysaccharidosis, MPS-IV-A. Last evaluated: 2022-08-31. Review status: criteria provided, single submitter. Criteria: Invitae Variant Classification Sherloc (09022015). Collection method: clinical testing. Allele origin: germline.
Comment: This sequence change replaces alanine, which is neutral and non-polar, with threonine, which is neutral and polar, at codon 278 of the GALNS protein (p.Ala278Thr). This variant is present in population databases (rs377591464, gnomAD 0.009%). This variant has not been reported in the literature in individuals affected with GALNS-related conditions. ClinVar contains an entry for this variant (Variation ID: 948003). Advanced modeling of protein sequence and biophysical properties (such as structural, functional, and spatial information, amino acid conservation, physicochemical variation, residue mobility, and thermodynamic stability) performed at Invitae indicates that this missense variant is not expected to disrupt GALNS protein function. In summary, the available evidence is currently insufficient to determine the role of this variant in disease. Therefore, it has been classified as a Variant of Uncertain Significance.

NM_000512.5(GALNS):c.832G>A (p.Ala278Thr)

Gene: GALNS (galactosamine (N-acetyl)-6-sulfatase; minus strand). Cytogenetic location: 16q24.3.
Variant type: single nucleotide variant.
Coding change: c.832G>A on transcript NM_000512.5 (MANE Select); coding-DNA position 832, G replaced by A.
Protein change: p.Ala278Thr; replaces alanine 278 with threonine.
Molecular consequence: missense variant.
Genome position (GRCh38, 1-based): chr16:88,835,279, C>T on the plus strand (G>A on the coding strand, the complement: GALNS is on the minus strand). VCF-style: chr16-88835279-C-T. GRCh37 (hg19) VCF-style: chr16-88901687-C-T.
Other names: c.277G>A, p.Ala93Thr (NM_001323543.2); c.850G>A, p.Ala284Thr (NM_001323544.2); short protein forms A278T, A284T, A93T.
Identifiers: ClinVar variation 948003 (VCV000948003.8), dbSNP rs377591464, ClinGen allele CA8234965.
Genomic context (GRCh38, chr16:88,835,279, plus strand): 5'-CGGGGGCGGAAATGAGGGCAGCGCCGTTGTCCGACGTGAAGAAGACGAAGGTGTTGTCCG[C>T]GACGTGCAGGTCTTGGAGGAGCTCCAGTATCTTCCCAATGCTGTCATCAATCTCCCGGAC-3'
Protein context (NP_000503.1, residues 268-288): ILELLQDLHV[Ala278Thr]DNTFVFFTSD